The following is an entry in ClinVar:

ClinVar aggregate classification (germline): Conflicting classifications of pathogenicity. Review status: criteria provided, conflicting classifications (1 of 4 stars). 4 submissions from 4 submitters: Uncertain significance (1); Likely benign (3). Last evaluated 2025-11-15.

Conditions:
Myofibrillar myopathy 4. Also called: Zaspopathy (type). Identifiers: Orphanet 98912, MedGen C4721886, MONDO:0012277, OMIM 609452.

Allele frequency attached by ClinVar (database versions not stated): ExAC 0.00003; gnomAD 0.00003; gnomAD exomes 0.00003 and 0.00004; TOPMed 0.00004; 1000 Genomes Project 30x 0.00016; 1000 Genomes Project 0.00020.
gnomAD v4.1: 42 of 1,611,532 alleles (0.0026%); highest among the groups gnomAD compares: East Asian, 0.018%; no homozygotes.

Submissions (4):

Labcorp Genetics (formerly Invitae), Labcorp
Classification: Likely benign for Myofibrillar myopathy 4. Last evaluated: 2025-11-15. Review status: criteria provided, single submitter. Criteria: Invitae Variant Classification Sherloc (09022015). Collection method: clinical testing. Allele origin: germline.

Blueprint Genetics
Classification: Likely benign. Last evaluated: 2024-05-10. Review status: criteria provided, single submitter. Criteria: ACMG Guidelines, 2015. Collection method: clinical testing. Allele origin: germline.

GeneDx
Classification: Likely benign. Last evaluated: 2016-06-09. Review status: criteria provided, single submitter. Criteria: GeneDx Variant Classification (06012015). Collection method: clinical testing. Allele origin: germline. Affected: yes.
Comment: This variant is considered likely benign or benign based on one or more of the following criteria: it is a conservative change, it occurs at a poorly conserved position in the protein, it is predicted to be benign by multiple in silico algorithms, and/or has population frequency not consistent with disease.

Laboratory for Molecular Medicine, Mass General Brigham Personalized Medicine
Classification: Uncertain significance. Last evaluated: 2013-04-09. Review status: criteria provided, single submitter. Criteria: LMM Criteria. Collection method: clinical testing. Allele origin: germline. Observed: 1 variant allele.
Comment: The 897-10G>A variant in LDB3 has not been reported in individuals with cardiomy opathy, but has been identified in 1/194 Han Chinese chromosomes by the 1000 Gen omes Project (dbSNP rs77304928). This variant is located in the 3' splice region . Computational tools do not suggest an impact to splicing, though this informat ion is not predictive enough to rule out pathogenicity. In summary, additional s tudies are needed to fully assess the clinical significance of this variant.

NM_007078.3(LDB3):c.897-10G>A

Gene: LDB3 (LIM domain binding 3; plus strand). Cytogenetic location: 10q23.2.
Variant type: single nucleotide variant.
Coding change: c.897-10G>A on transcript NM_007078.3 (MANE Select); 10 bases into the intron before coding-DNA position 897, G replaced by A.
Molecular consequence: intron variant.
Genome position (GRCh38, 1-based): chr10:86,706,521, G>A. VCF-style: chr10-86706521-G-A. GRCh37 (hg19) VCF-style: chr10-88466278-G-A.
Other names: c.897-3384G>A (NM_001368064.1, NM_001368065.1); c.1101-3384G>A (NM_001171610.2); c.756-10G>A (NM_001368066.1); c.756-3384G>A (NM_001080114.2).
Identifiers: ClinVar variation 178940 (VCV000178940.16), dbSNP rs77304928, ClinGen allele CA183355.